The following is an entry in ClinVar:

NM_015057.5(MYCBP2):c.2017_2017+12delinsC

Gene: MYCBP2 (MYC binding protein 2; minus strand). Cytogenetic location: 13q22.3.
Variant type: Indel.
Coding change: c.2017_2017+12delinsC on transcript NM_015057.5 (MANE Select); coding-DNA position 2017 through 12 bases into the intron after coding-DNA position 2017, AGTAAGTTAATAA replaced by C.
Molecular consequence: splice donor variant.
Genome position (GRCh38, 1-based): chr13:77,260,416-77,260,428, TTATTAACTTACT replaced by G on the plus strand (AGTAAGTTAATAA replaced by C on the coding strand, the reverse complement: MYCBP2 is on the minus strand). VCF-style: chr13-77260416-TTATTAACTTACT-G. GRCh37 (hg19) VCF-style: chr13-77834551-TTATTAACTTACT-G.
Identifiers: ClinVar variation 2500396 (VCV002500396.1), dbSNP rs2549560766, ClinGen allele CA2580087748.

ClinVar aggregate classification (germline): Uncertain significance (1 of 4 stars; one submission).

Submission:

GeneDx
Classification: Uncertain significance. Last evaluated: 2022-10-24. Review status: criteria provided, single submitter. Criteria: GeneDx Variant Classification Process June 2021. Collection method: clinical testing. Allele origin: germline. Affected: yes.
Comment: Not observed at significant frequency in large population cohorts (gnomAD); Canonical splice site variant with an unclear effect on protein function; Has not been previously published as pathogenic or benign to our knowledge